The following is an entry in ClinVar:

NM_005548.3(KARS1):c.1490A>G (p.Asn497Ser)

Genes: KARS1 (lysyl-tRNA synthetase 1; minus strand), LOC126862402 (CDK7 strongly-dependent group 2 enhancer GRCh37_chr16:75663368-75664567; plus strand). Cytogenetic location: 16q23.1.
Variant type: single nucleotide variant.
Coding change: c.1490A>G on transcript NM_005548.3 (MANE Select); coding-DNA position 1490, A replaced by G.
Protein change: p.Asn497Ser; replaces asparagine 497 with serine.
Molecular consequence: missense variant.
Genome position (GRCh38, 1-based): chr16:75,629,476, T>C on the plus strand (A>G on the coding strand, the complement: KARS1 is on the minus strand). VCF-style: chr16-75629476-T-C. GRCh37 (hg19) VCF-style: chr16-75663374-T-C.
Other names: c.1574A>G, p.Asn525Ser (NM_001130089.2); c.1022A>G, p.Asn341Ser (NM_001378148.1); short protein forms N341S, N497S, N525S.
Identifiers: ClinVar variation 2634369 (VCV002634369.4), dbSNP rs760948024, ClinGen allele CA8177214.

ClinVar aggregate classification (germline): Uncertain significance (1 of 4 stars; one submission).

Conditions:
KARS1-related disorder. Also called: KARS1-related disorders.

Allele frequency attached by ClinVar (database versions not stated): gnomAD 0.00001.
gnomAD v4.1: 6 of 1,614,076 alleles (0.00037%); highest among the groups gnomAD compares: Admixed American, 0.0017%; no homozygotes.

Submission:

PreventionGenetics, part of Exact Sciences
Classification: Uncertain significance for KARS1-related condition. Last evaluated: 2025-01-09. Review status: criteria provided, single submitter. Criteria: ACMG Guidelines, 2015. Collection method: clinical testing. Allele origin: germline.
Comment: The KARS1 c.1574A>G variant is predicted to result in the amino acid substitution p.Asn525Ser. To our knowledge, this variant has not been reported in the literature. This variant is reported in 0.0029% of alleles in individuals of Latino descent in gnomAD. At this time, the clinical significance of this variant is uncertain due to the absence of conclusive functional and genetic evidence.